The following is an entry in ClinVar:

NM_001278116.2(L1CAM):c.3095G>A (p.Ser1032Asn)

Gene: L1CAM (L1 cell adhesion molecule; minus strand). Cytogenetic location: Xq28.
Variant type: single nucleotide variant.
Coding change: c.3095G>A on transcript NM_001278116.2 (MANE Select); coding-DNA position 3095, G replaced by A.
Protein change: p.Ser1032Asn; replaces serine 1032 with asparagine.
Molecular consequence: missense variant.
Genome position (GRCh38, 1-based): chrX:153,864,656, C>T on the plus strand (G>A on the coding strand, the complement: L1CAM is on the minus strand). VCF-style: chrX-153864656-C-T. GRCh37 (hg19) VCF-style: chrX-153130111-C-T.
Other names: c.3095G>A, p.Ser1032Asn (NM_000425.5, NM_024003.3); c.3080G>A, p.Ser1027Asn (NM_001143963.2); short protein forms S1027N, S1032N.
Identifiers: ClinVar variation 1179331 (VCV001179331.7), dbSNP rs2148493445, ClinGen allele CA415113223.
Genomic context (GRCh38, chrX:153,864,656, plus strand): 5'-TTGAACAAGATATGGAACCTGAAGTTGCACTGGCCCTCCTTGGGGACCCAGGAGACGACA[C>T]TGTAGTTTTCACCCGCTGTGGCTGAGATGTTGCCAAAATCTGAGATCCCTGGGGGGATGC-3'
Protein context (NP_001265045.1, residues 1022-1042): NISATAGENY[Ser1032Asn]VVSWVPKEGQ

ClinVar aggregate classification (germline): Uncertain significance. Review status: criteria provided, multiple submitters, no conflicts (2 of 4 stars). 2 submissions from 2 submitters: Uncertain significance (2). Last evaluated 2022-06-15.

Conditions:
Spastic paraplegia. Identifiers: MedGen C0037772, HP:0001258.

Submissions (2):

Labcorp Genetics (formerly Invitae), Labcorp
Classification: Uncertain significance for Spastic paraplegia. Last evaluated: 2022-06-15. Review status: criteria provided, single submitter. Criteria: Invitae Variant Classification Sherloc (09022015). Collection method: clinical testing. Allele origin: germline.
Comment: In summary, the available evidence is currently insufficient to determine the role of this variant in disease. Therefore, it has been classified as a Variant of Uncertain Significance. Advanced modeling of protein sequence and biophysical properties (such as structural, functional, and spatial information, amino acid conservation, physicochemical variation, residue mobility, and thermodynamic stability) performed at Invitae indicates that this missense variant is not expected to disrupt L1CAM protein function. ClinVar contains an entry for this variant (Variation ID: 1179331). This variant has not been reported in the literature in individuals affected with L1CAM-related conditions. This variant is not present in population databases (gnomAD no frequency). This sequence change replaces serine, which is neutral and polar, with asparagine, which is neutral and polar, at codon 1032 of the L1CAM protein (p.Ser1032Asn).

GeneDx
Classification: Uncertain significance. Last evaluated: 2021-03-19. Review status: criteria provided, single submitter. Criteria: GeneDx Variant Classification Process June 2021. Collection method: clinical testing. Allele origin: germline. Affected: yes.
Comment: Not observed in large population cohorts (Lek et al., 2016); In silico analysis supports that this missense variant does not alter protein structure/function; Has not been previously published as pathogenic or benign to our knowledge